The following is an entry in ClinVar:

NM_002485.5(NBN):c.1335G>C (p.Arg445Ser)

Gene: NBN (nibrin; minus strand). Cytogenetic location: 8q21.3.
Variant type: single nucleotide variant.
Coding change: c.1335G>C on transcript NM_002485.5 (MANE Select); coding-DNA position 1335, G replaced by C.
Protein change: p.Arg445Ser; replaces arginine 445 with serine.
Molecular consequence: missense variant.
Genome position (GRCh38, 1-based): chr8:89,955,345, C>G on the plus strand (G>C on the coding strand, the complement: NBN is on the minus strand). VCF-style: chr8-89955345-C-G. GRCh37 (hg19) VCF-style: chr8-90967573-C-G.
Other names: c.1089G>C, p.Arg363Ser (NM_001024688.3); short protein forms R363S, R445S.
Identifiers: ClinVar variation 651527 (VCV000651527.8), dbSNP rs1554559085, ClinGen allele CA371656086.
Genomic context (GRCh38, chr8:89,955,345, plus strand): 5'-TTTTTTGGTAGACGGCTGAAAGTAGTTTCTGATGGAGTTGGTCTGCTGCTGCTGAGAAGC[C>G]CTATCTTTACTTTTATTTATACTTGGCAATTTAGTTGGTGAAAGCTGATAGTTTGGGATT-3'
Protein context (NP_002476.2, residues 435-455): KLPSINKSKD[Arg445Ser]ASQQQQTNSI

ClinVar aggregate classification (germline): Uncertain significance (1 of 4 stars; one submission).

Conditions:
Microcephaly, normal intelligence and immunodeficiency (NBS). Also called: BERLIN BREAKAGE SYNDROME; Nijmegen breakage syndrome; Microcephaly with normal intelligence immunodeficiency and lymphoreticular malignancies; Nonsyndromal microcephaly autosomal recessive with normal intelligence; Seemanova syndrome 2; SEEMANOVA SYNDROME II. Identifiers: Orphanet 647, MedGen C0398791, MONDO:0009623, OMIM 251260.

Submission:

Labcorp Genetics (formerly Invitae), Labcorp
Classification: Uncertain significance for Microcephaly, normal intelligence and immunodeficiency. Last evaluated: 2022-09-01. Review status: criteria provided, single submitter. Criteria: Invitae Variant Classification Sherloc (09022015). Collection method: clinical testing. Allele origin: germline.
Comment: In summary, the available evidence is currently insufficient to determine the role of this variant in disease. Therefore, it has been classified as a Variant of Uncertain Significance. This sequence change replaces arginine, which is basic and polar, with serine, which is neutral and polar, at codon 445 of the NBN protein (p.Arg445Ser). This variant is not present in population databases (gnomAD no frequency). This variant has not been reported in the literature in individuals affected with NBN-related conditions. ClinVar contains an entry for this variant (Variation ID: 651527). Algorithms developed to predict the effect of missense changes on protein structure and function (SIFT, PolyPhen-2, Align-GVGD) all suggest that this variant is likely to be tolerated.